The following is an entry in ClinVar:

NM_016169.4(SUFU):c.66C>G (p.Ala22=)

Genes: SUFU (SUFU negative regulator of hedgehog signaling; plus strand), LOC130004614 (ATAC-STARR-seq lymphoblastoid silent region 2764; plus strand). Cytogenetic location: 10q24.32.
Variant type: single nucleotide variant.
Coding change: c.66C>G on transcript NM_016169.4 (MANE Select); coding-DNA position 66, C replaced by G.
Protein change: p.Ala22=; no amino-acid change (alanine 22 retained).
Molecular consequence: synonymous variant.
Genome position (GRCh38, 1-based): chr10:102,504,218, C>G. VCF-style: chr10-102504218-C-G. GRCh37 (hg19) VCF-style: chr10-104263975-C-G.
Other names: c.66C>G, p.Ala22= (NM_001178133.2).
Identifiers: ClinVar variation 2073285 (VCV002073285.8), dbSNP rs1265496966, ClinGen allele CA471304824.

ClinVar aggregate classification (germline): Likely benign. Review status: criteria provided, multiple submitters, no conflicts (2 of 4 stars). 3 submissions from 3 submitters: Likely benign (2). 1 of the submissions does not count toward it. Last evaluated 2023-11-23.

Conditions:
Medulloblastoma (MDB). Also called: Medulloblastoma, somatic; MEDULLOBLASTOMA PREDISPOSITION SYNDROME. Identifiers: Orphanet 616, MedGen C0025149, MeSH D008527, MONDO:0007959, OMIM 155255, HP:0002885.
Gorlin syndrome. Also called: Basal cell nevus syndrome; Nevoid Basal Cell Carcinoma Syndrome. Identifiers: Orphanet 377, MedGen C0004779, MONDO:0007187.
SUFU-related disorder. Also called: SUFU-related disorders; SUFU-related condition.
Hereditary cancer-predisposing syndrome. Also called: Tumor predisposition; Hereditary Cancer Syndrome; Hereditary neoplastic syndrome; Neoplastic Syndromes, Hereditary. Identifiers: Orphanet 140162, MedGen C0027672, MeSH D009386, MONDO:0015356.

Submissions (3):

Labcorp Genetics (formerly Invitae), Labcorp
Classification: Likely benign for Gorlin syndrome; Medulloblastoma. Last evaluated: 2023-11-23. Review status: criteria provided, single submitter. Criteria: Invitae Variant Classification Sherloc (09022015). Collection method: clinical testing. Allele origin: germline.

Ambry Genetics
Classification: Likely benign for Hereditary cancer-predisposing syndrome. Last evaluated: 2022-12-05. Review status: criteria provided, single submitter. Criteria: Ambry Variant Classification Scheme 2023. Collection method: clinical testing. Allele origin: germline.

PreventionGenetics, part of Exact Sciences
Classification: Likely benign for SUFU-related condition. Last evaluated: 2019-03-12. Review status: no assertion criteria provided. Collection method: clinical testing. Allele origin: germline. Not counted in ClinVar's aggregate classification.
Comment: This variant is classified as likely benign based on ACMG/AMP sequence variant interpretation guidelines (Richards et al. 2015 PMID: 25741868, with internal and published modifications).